The following is an entry in ClinVar:

ClinVar aggregate classification (germline): Uncertain significance (1 of 4 stars; one submission).

Conditions:
Inborn genetic diseases. Identifiers: MedGen C0950123, MeSH D030342.

gnomAD v4.1: 1 of 1,608,162 alleles (0.000062%); highest among the groups gnomAD compares: Non-Finnish European, 0.000085%; no homozygotes.

Submission:

Ambry Genetics
Classification: Uncertain significance for Inborn genetic diseases. Last evaluated: 2025-06-17. Review status: criteria provided, single submitter. Criteria: Ambry Variant Classification Scheme 2023. Collection method: clinical testing. Allele origin: germline.
Comment: The p.M558T variant (also known as c.1673T>C), located in coding exon 17 of the ANKRD26 gene, results from a T to C substitution at nucleotide position 1673. The methionine at codon 558 is replaced by threonine, an amino acid with similar properties. This amino acid position is conserved. In addition, this alteration is predicted to be tolerated by in silico analysis. Based on the available evidence, the clinical significance of this variant remains unclear.

NM_014915.3(ANKRD26):c.1673T>C (p.Met558Thr)

Gene: ANKRD26 (ankyrin repeat domain containing 26; minus strand). Cytogenetic location: 10p12.1.
Variant type: single nucleotide variant.
Coding change: c.1673T>C on transcript NM_014915.3 (MANE Select); coding-DNA position 1673, T replaced by C.
Protein change: p.Met558Thr; replaces methionine 558 with threonine.
Molecular consequence: missense variant.
Genome position (GRCh38, 1-based): chr10:27,048,942, A>G on the plus strand (T>C on the coding strand, the complement: ANKRD26 is on the minus strand). VCF-style: chr10-27048942-A-G. GRCh37 (hg19) VCF-style: chr10-27337871-A-G.
Other names: c.1673T>C, p.Met558Thr (NM_001256053.2); short protein forms M558T.
Identifiers: ClinVar variation 4102544 (VCV004102544.1).